The following is an entry in ClinVar:

ClinVar aggregate classification (germline): Uncertain significance. Review status: criteria provided, multiple submitters, no conflicts (2 of 4 stars). 2 submissions from 2 submitters: Uncertain significance (2). Last evaluated 2025-05-18.

Conditions:
Focal segmental glomerulosclerosis 2 (FSGS2). Identifiers: Orphanet 656, MedGen C1858915, MONDO:0011390, OMIM 603965.

Allele frequency attached by ClinVar (database versions not stated): gnomAD exomes below 0.00001; TOPMed below 0.00001; ExAC 0.00001; gnomAD 0.00001.
gnomAD v4.1: 2 of 1,613,678 alleles (0.00012%); highest among the groups gnomAD compares: East Asian, 0.0045%; no homozygotes.

Submissions (2):

Dasa
Classification: Uncertain significance. Last evaluated: 2025-05-18. Review status: criteria provided, single submitter. Criteria: DASA Assertion Criteria. Collection method: clinical testing. Allele origin: germline.
Comment: NM_004621.6(TRPC6):c.1928T>C (p.Met643Thr) is a missense variant that results in the substitution of methionine with threonine. This variant is rare in population databases. The currently available literature and clinical evidence are not sufficient to establish a definitive association between this variant and the reported condition. Therefore, this variant is classified as a variant of uncertain significance.

Illumina Laboratory Services, Illumina
Classification: Uncertain significance for Focal segmental glomerulosclerosis 2. Last evaluated: 2018-01-13. Review status: criteria provided, single submitter. Criteria: ICSL Variant Classification Criteria 13 December 2019. Collection method: clinical testing. Allele origin: germline.

NM_004621.6(TRPC6):c.1928T>C (p.Met643Thr)

Gene: TRPC6 (transient receptor potential cation channel subfamily C member 6; minus strand). Cytogenetic location: 11q22.1.
Variant type: single nucleotide variant.
Coding change: c.1928T>C on transcript NM_004621.6 (MANE Select); coding-DNA position 1928, T replaced by C.
Protein change: p.Met643Thr; replaces methionine 643 with threonine.
Molecular consequence: missense variant.
Genome position (GRCh38, 1-based): chr11:101,473,590, A>G on the plus strand (T>C on the coding strand, the complement: TRPC6 is on the minus strand). VCF-style: chr11-101473590-A-G. GRCh37 (hg19) VCF-style: chr11-101344321-A-G.
Other names: short protein forms M643T.
Identifiers: ClinVar variation 301903 (VCV000301903.7), dbSNP rs773581652, ClinGen allele CA6244237.